The following is an entry in ClinVar:

NM_006060.6(IKZF1):c.122C>T (p.Ser41Leu)

Gene: IKZF1 (IKAROS family zinc finger 1; plus strand). Cytogenetic location: 7p12.2.
Variant type: single nucleotide variant.
Coding change: c.122C>T on transcript NM_006060.6 (MANE Select); coding-DNA position 122, C replaced by T.
Protein change: p.Ser41Leu; replaces serine 41 with leucine.
Molecular consequence: missense variant.
Genome position (GRCh38, 1-based): chr7:50,327,719, C>T. VCF-style: chr7-50327719-C-T. GRCh37 (hg19) VCF-style: chr7-50367315-C-T.
Other names: c.122C>T, p.Ser41Leu (NM_001291842.1, NM_001291843.1, NM_001291844.1 and 13 more transcripts); short protein forms S41L.
Identifiers: ClinVar variation 1317474 (VCV001317474.4), dbSNP rs751092583, ClinGen allele CA4261210.

ClinVar aggregate classification (germline): Uncertain significance. Review status: criteria provided, multiple submitters, no conflicts (2 of 4 stars). 2 submissions from 2 submitters: Uncertain significance (2). Last evaluated 2024-02-11.

Allele frequency attached by ClinVar (database versions not stated): gnomAD exomes below 0.00001 and 0.00001; TOPMed below 0.00001; ExAC 0.00002; gnomAD 0.00002.
gnomAD v4.1: 6 of 1,613,434 alleles (0.00037%); highest among the groups gnomAD compares: African/African-American, 0.0013%; no homozygotes.

Submissions (2):

Labcorp Genetics (formerly Invitae), Labcorp
Classification: Uncertain significance. Last evaluated: 2024-02-11. Review status: criteria provided, single submitter. Criteria: Invitae Variant Classification Sherloc (09022015). Collection method: clinical testing. Allele origin: germline.
Comment: This sequence change replaces serine, which is neutral and polar, with leucine, which is neutral and non-polar, at codon 41 of the IKZF1 protein (p.Ser41Leu). This variant is present in population databases (rs751092583, gnomAD 0.002%). This variant has not been reported in the literature in individuals affected with IKZF1-related conditions. ClinVar contains an entry for this variant (Variation ID: 1317474). An algorithm developed to predict the effect of missense changes on protein structure and function (PolyPhen-2) suggests that this variant is likely to be tolerated. In summary, the available evidence is currently insufficient to determine the role of this variant in disease. Therefore, it has been classified as a Variant of Uncertain Significance.

GeneDx
Classification: Uncertain significance. Last evaluated: 2020-01-27. Review status: criteria provided, single submitter. Criteria: GeneDx Variant Classification Process June 2021. Collection method: clinical testing. Allele origin: germline. Affected: yes.
Comment: Not observed at a significant frequency in large population cohorts (Lek et al., 2016); In silico analysis, which includes protein predictors and evolutionary conservation, supports a deleterious effect; Has not been previously published as pathogenic or benign to our knowledge